The following is an entry in ClinVar:

NM_018668.5(VPS33B):c.1595G>A (p.Arg532Gln)

Gene: VPS33B (VPS33B late endosome and lysosome associated; minus strand). Cytogenetic location: 15q26.1.
Variant type: single nucleotide variant.
Coding change: c.1595G>A on transcript NM_018668.5 (MANE Select); coding-DNA position 1595, G replaced by A.
Protein change: p.Arg532Gln; replaces arginine 532 with glutamine.
Molecular consequence: missense variant.
Genome position (GRCh38, 1-based): chr15:90,999,962, C>T on the plus strand (G>A on the coding strand, the complement: VPS33B is on the minus strand). VCF-style: chr15-90999962-C-T. GRCh37 (hg19) VCF-style: chr15-91543192-C-T.
Other names: c.1514G>A, p.Arg505Gln (NM_001289148.1); c.1322G>A, p.Arg441Gln (NM_001289149.1); c.1595G>A (NM_018668.3); short protein forms R505Q, R441Q, R532Q.
Identifiers: ClinVar variation 2142888 (VCV002142888.3), dbSNP rs373692333, ClinGen allele CA7744573.

ClinVar aggregate classification (germline): Uncertain significance. Review status: criteria provided, multiple submitters, no conflicts (2 of 4 stars). 3 submissions from 3 submitters: Uncertain significance (3). Last evaluated 2023-12-27.

Conditions:
Inborn genetic diseases. Identifiers: MedGen C0950123, MeSH D030342.
Keratoderma-ichthyosis-deafness syndrome, autosomal recessive (KDIDAR). Identifiers: MedGen C5774200, MONDO:0859278, OMIM 620009.
Cholestasis, progressive familial intrahepatic, 12 (PFIC12). Also called: CHOLESTASIS, ISOLATED LOW-GGT. Identifiers: MedGen C5774311, MONDO:0031040, OMIM 620010.
Arthrogryposis, renal dysfunction, and cholestasis 1 (ARCS1). Identifiers: Orphanet 2697, MedGen C1859722, MONDO:0008822, OMIM 208085.

Allele frequency attached by ClinVar (database versions not stated): TOPMed 0.00002; gnomAD 0.00003; gnomAD exomes 0.00003; ExAC 0.00005; ESP Exome Variant Server 0.00008.
gnomAD v4.1: 53 of 1,614,126 alleles (0.0033%); highest among the groups gnomAD compares: South Asian, 0.033%; no homozygotes.

Submissions (3):

Fulgent Genetics
Classification: Uncertain significance for Arthrogryposis, renal dysfunction, and cholestasis 1; Keratoderma-ichthyosis-deafness syndrome, autosomal recessive; Cholestasis, progressive familial intrahepatic, 12. Last evaluated: 2023-12-27. Review status: criteria provided, single submitter. Criteria: ACMG Guidelines, 2015. Collection method: clinical testing. Allele origin: germline.

Ambry Genetics
Classification: Uncertain significance for Inborn genetic diseases. Last evaluated: 2022-12-01. Review status: criteria provided, single submitter. Criteria: Ambry Variant Classification Scheme 2023. Collection method: clinical testing. Allele origin: germline.

Labcorp Genetics (formerly Invitae), Labcorp
Classification: Uncertain significance. Last evaluated: 2022-05-20. Review status: criteria provided, single submitter. Criteria: Invitae Variant Classification Sherloc (09022015). Collection method: clinical testing. Allele origin: germline.
Comment: This sequence change replaces arginine, which is basic and polar, with glutamine, which is neutral and polar, at codon 532 of the VPS33B protein (p.Arg532Gln). This variant is present in population databases (rs373692333, gnomAD 0.03%). This variant has not been reported in the literature in individuals affected with VPS33B-related conditions. Algorithms developed to predict the effect of missense changes on protein structure and function output the following: SIFT: "Not Available"; PolyPhen-2: "Benign"; Align-GVGD: "Not Available". The glutamine amino acid residue is found in multiple mammalian species, which suggests that this missense change does not adversely affect protein function. In summary, the available evidence is currently insufficient to determine the role of this variant in disease. Therefore, it has been classified as a Variant of Uncertain Significance.